The following is an entry in ClinVar:

NM_000493.4(COL10A1):c.1183G>C (p.Gly395Arg)

Genes: COL10A1 (collagen type X alpha 1 chain; minus strand), NT5DC1 (5'-nucleotidase domain containing 1; plus strand). Cytogenetic location: 6q22.1.
Variant type: single nucleotide variant.
Coding change: c.1183G>C on transcript NM_000493.4 (MANE Select); coding-DNA position 1183, G replaced by C.
Protein change: p.Gly395Arg; replaces glycine 395 with arginine.
Molecular consequence: missense variant. On other transcripts: intron variant (1).
Genome position (GRCh38, 1-based): chr6:116,120,933, C>G on the plus strand (G>C on the coding strand, the complement: COL10A1 is on the minus strand). VCF-style: chr6-116120933-C-G. GRCh37 (hg19) VCF-style: chr6-116442096-C-G.
Other names: c.1183G>C, p.Gly395Arg (NM_001424106.1, NM_001424107.1); c.529+2988C>G (NM_152729.3); short protein forms G395R.
Identifiers: ClinVar variation 4702414 (VCV004702414.1).

ClinVar aggregate classification (germline): Uncertain significance (1 of 4 stars; one submission).

gnomAD v4.1: 4 of 1,613,970 alleles (0.00025%); highest among the groups gnomAD compares: Admixed American, 0.0017%; no homozygotes.

Submission:

Labcorp Genetics (formerly Invitae), Labcorp
Classification: Uncertain significance. Last evaluated: 2025-12-25. Review status: criteria provided, single submitter. Criteria: Invitae Variant Classification Sherloc (09022015). Collection method: clinical testing. Allele origin: germline.
Comment: This sequence change replaces glycine, which is neutral and non-polar, with arginine, which is basic and polar, at codon 395 of the COL10A1 protein (p.Gly395Arg). This variant is not present in population databases (gnomAD no frequency). This variant has not been reported in the literature in individuals affected with COL10A1-related conditions. Invitae Evidence Modeling of protein sequence and biophysical properties (such as structural, functional, and spatial information, amino acid conservation, physicochemical variation, residue mobility, and thermodynamic stability) has been performed for this missense variant. However, the output from this modeling did not meet the statistical confidence thresholds required to predict the impact of this variant on COL10A1 protein function. In summary, the available evidence is currently insufficient to determine the role of this variant in disease. Therefore, it has been classified as a Variant of Uncertain Significance.